The following is an entry in ClinVar:

NM_007289.4(MME):c.1281T>G (p.Tyr427Ter)

Gene: MME (membrane metalloendopeptidase; plus strand). Cytogenetic location: 3q25.2.
Variant type: single nucleotide variant.
Coding change: c.1281T>G on transcript NM_007289.4 (MANE Select); coding-DNA position 1281, T replaced by G.
Protein change: p.Tyr427Ter; replaces tyrosine 427 with a stop codon.
Molecular consequence: nonsense.
Genome position (GRCh38, 1-based): chr3:155,143,535, T>G. VCF-style: chr3-155143535-T-G. GRCh37 (hg19) VCF-style: chr3-154861324-T-G.
Other names: c.1281T>G, p.Tyr427Ter (NM_000902.5, NM_001354642.2, NM_001354643.1 and 2 more transcripts); short protein forms Y427*.
Identifiers: ClinVar variation 4716394 (VCV004716394.1).

ClinVar aggregate classification (germline): Pathogenic (1 of 4 stars; one submission).

Submission:

Labcorp Genetics (formerly Invitae), Labcorp
Classification: Pathogenic. Last evaluated: 2025-03-31. Review status: criteria provided, single submitter. Criteria: Invitae Variant Classification Sherloc (09022015). Collection method: clinical testing. Allele origin: germline.
Comment: This sequence change creates a premature translational stop signal (p.Tyr427*) in the MME gene. It is expected to result in an absent or disrupted protein product. Loss-of-function variants in MME are known to be pathogenic (PMID: 26991897). This variant is not present in population databases (gnomAD no frequency). This variant has not been reported in the literature in individuals affected with MME-related conditions. Algorithms developed to predict the effect of sequence changes on RNA splicing suggest that this variant may disrupt the consensus splice site. For these reasons, this variant has been classified as Pathogenic.

Literature cited by the submitters: PubMed 26991897.